The following is an entry in ClinVar:

NM_147127.5(EVC2):c.1889C>G (p.Ala630Gly)

Gene: EVC2 (EvC ciliary complex subunit 2; minus strand). Cytogenetic location: 4p16.2.
Variant type: single nucleotide variant.
Coding change: c.1889C>G on transcript NM_147127.5 (MANE Select); coding-DNA position 1889, C replaced by G.
Protein change: p.Ala630Gly; replaces alanine 630 with glycine.
Molecular consequence: missense variant.
Genome position (GRCh38, 1-based): chr4:5,625,906, G>C on the plus strand (C>G on the coding strand, the complement: EVC2 is on the minus strand). VCF-style: chr4-5625906-G-C. GRCh37 (hg19) VCF-style: chr4-5627633-G-C.
Other names: c.1649C>G, p.Ala550Gly (NM_001166136.2); short protein forms A630G, A550G.
Identifiers: ClinVar variation 2935767 (VCV002935767.3), dbSNP rs2475386387, ClinGen allele CA356146283.

ClinVar aggregate classification (germline): Uncertain significance (1 of 4 stars; one submission).

Conditions:
Curry-Hall syndrome (WAD). Also called: WEYERS ACRODENTAL DYSOSTOSIS. Identifiers: Orphanet 952, MedGen C0457013, MONDO:0008673, OMIM 193530.
Ellis-van Creveld syndrome (EVC). Also called: EVC-Related Ellis-van Creveld Syndrome; EVC2-Related Ellis-van Creveld Syndrome; MESOECTODERMAL DYSPLASIA; Chondroectodermal dysplasia. Identifiers: Orphanet 289, MedGen C0013903, MONDO:0009162, OMIM 225500.

Submission:

Labcorp Genetics (formerly Invitae), Labcorp
Classification: Uncertain significance for Curry-Hall syndrome; Ellis-van Creveld syndrome. Last evaluated: 2023-01-12. Review status: criteria provided, single submitter. Criteria: Invitae Variant Classification Sherloc (09022015). Collection method: clinical testing. Allele origin: germline.
Comment: Algorithms developed to predict the effect of sequence changes on RNA splicing suggest that this variant may disrupt the consensus splice site. In summary, the available evidence is currently insufficient to determine the role of this variant in disease. Therefore, it has been classified as a Variant of Uncertain Significance. Algorithms developed to predict the effect of missense changes on protein structure and function are either unavailable or do not agree on the potential impact of this missense change (SIFT: "Tolerated"; PolyPhen-2: "Probably Damaging"; Align-GVGD: "Class C0"). This variant is not present in population databases (gnomAD no frequency). This variant has not been reported in the literature in individuals affected with EVC2-related conditions. This sequence change replaces alanine, which is neutral and non-polar, with glycine, which is neutral and non-polar, at codon 630 of the EVC2 protein (p.Ala630Gly).